The following is an entry in ClinVar:

NM_000059.4(BRCA2):c.5910A>G (p.Ser1970=)

Gene: BRCA2 (BRCA2 DNA repair associated; plus strand). Cytogenetic location: 13q13.1.
Variant type: single nucleotide variant.
Coding change: c.5910A>G on transcript NM_000059.4 (MANE Select); coding-DNA position 5910, A replaced by G.
Protein change: p.Ser1970=; no amino-acid change (serine 1970 retained).
Molecular consequence: synonymous variant.
Genome position (GRCh38, 1-based): chr13:32,340,265, A>G. VCF-style: chr13-32340265-A-G. GRCh37 (hg19) VCF-style: chr13-32914402-A-G.
Identifiers: ClinVar variation 232447 (VCV000232447.18), dbSNP rs876659771, ClinGen allele CA10579671.

ClinVar aggregate classification (germline): Likely benign. Review status: reviewed by expert panel (3 of 4 stars). 4 submissions from 4 submitters: Likely benign (1). 3 of the submissions do not count toward it. Last evaluated 2017-06-29.

Conditions:
BRCA2-related disorder. Also called: BRCA2-related condition; BRCA2-related disorders. Identifiers: MedGen CN239275.
Hereditary cancer-predisposing syndrome. Also called: Hereditary Cancer Syndrome; Neoplastic Syndromes, Hereditary; Tumor predisposition; Hereditary neoplastic syndrome. Identifiers: Orphanet 140162, MedGen C0027672, MeSH D009386, MONDO:0015356.
Breast-ovarian cancer, familial, susceptibility to, 2 (BROVCA2). Also called: BRCA2 Hereditary Breast and Ovarian Cancer. Identifiers: Orphanet 145, MedGen C2675520, MONDO:0012933, OMIM 612555. Disease mechanism: loss of function.
Hereditary breast ovarian cancer syndrome. Also called: Hereditary breast and/or ovarian cancer syndrome; BRCA1- and BRCA2-Associated Hereditary Breast and Ovarian Cancer; Hereditary breast and ovarian cancer syndrome (HBOC); Hereditary breast and ovarian cancer; Hereditary breast and ovarian cancer syndrome; Breast and ovarian cancer. Identifiers: Orphanet 145, MedGen C0677776, MeSH D061325, MONDO:0003582. Disease mechanism: loss of function.

Submissions (4):

Evidence-based Network for the Interpretation of Germline Mutant Alleles (ENIGMA)
Classification: Likely benign for Breast-ovarian cancer, familial, susceptibility to, 2. Last evaluated: 2017-06-29. Review status: reviewed by expert panel. Criteria: ENIGMA BRCA1/2 Classification Criteria (2017-06-29). Collection method: curation. Allele origin: germline.
Comment: Synonymous substitution variant, with low bioinformatic likelihood to result in a splicing aberration (Splicing prior probability 0.02).

Labcorp Genetics (formerly Invitae), Labcorp
Classification: Likely benign for Hereditary breast ovarian cancer syndrome. Last evaluated: 2024-04-22. Review status: criteria provided, single submitter. Criteria: Invitae Variant Classification Sherloc (09022015). Collection method: clinical testing. Allele origin: germline. Not counted in ClinVar's aggregate classification.

Ambry Genetics
Classification: Likely benign for Hereditary cancer-predisposing syndrome. Last evaluated: 2015-06-29. Review status: criteria provided, single submitter. Criteria: Ambry Variant Classification Scheme 2023. Collection method: clinical testing. Allele origin: germline. Not counted in ClinVar's aggregate classification.

PreventionGenetics, part of Exact Sciences
Classification: Likely benign for BRCA2-related condition. Last evaluated: 2020-06-19. Review status: no assertion criteria provided. Collection method: clinical testing. Allele origin: germline. Not counted in ClinVar's aggregate classification.
Comment: This variant is classified as likely benign based on ACMG/AMP sequence variant interpretation guidelines (Richards et al. 2015 PMID: 25741868, with internal and published modifications).